The following is an entry in ClinVar:

NM_007186.6(CEP250):c.3965T>C (p.Met1322Thr)

Gene: CEP250 (centrosomal protein 250; plus strand). Cytogenetic location: 20q11.22.
Variant type: single nucleotide variant.
Coding change: c.3965T>C on transcript NM_007186.6 (MANE Select); coding-DNA position 3965, T replaced by C.
Protein change: p.Met1322Thr; replaces methionine 1322 with threonine.
Molecular consequence: missense variant.
Genome position (GRCh38, 1-based): chr20:35,501,911, T>C. VCF-style: chr20-35501911-T-C. GRCh37 (hg19) VCF-style: chr20-34089738-T-C.
Other names: c.2069T>C, p.Met690Thr (NM_001318219.1); short protein forms M1322T, M690T.
Identifiers: ClinVar variation 1058882 (VCV001058882.7), dbSNP rs1048988389, ClinGen allele CA314159278.

ClinVar aggregate classification (germline): Uncertain significance (1 of 4 stars; one submission).

Allele frequency attached by ClinVar (database versions not stated): gnomAD exomes below 0.00001.

Submission:

Labcorp Genetics (formerly Invitae), Labcorp
Classification: Uncertain significance. Last evaluated: 2020-10-12. Review status: criteria provided, single submitter. Criteria: Invitae Variant Classification Sherloc (09022015). Collection method: clinical testing. Allele origin: germline.
Comment: This variant has not been reported in the literature in individuals with CEP250-related conditions. In summary, the available evidence is currently insufficient to determine the role of this variant in disease. Therefore, it has been classified as a Variant of Uncertain Significance. Algorithms developed to predict the effect of missense changes on protein structure and function are either unavailable or do not agree on the potential impact of this missense change (SIFT: "Not Available"; PolyPhen-2: "Benign"; Align-GVGD: "Not Available"). This variant is not present in population databases (ExAC no frequency). This sequence change replaces methionine with threonine at codon 1322 of the CEP250 protein (p.Met1322Thr). The methionine residue is weakly conserved and there is a moderate physicochemical difference between methionine and threonine.